The following is an entry in ClinVar:

NM_002691.4(POLD1):c.397dup (p.Glu133fs)

Gene: POLD1 (DNA polymerase delta 1, catalytic subunit; plus strand). Cytogenetic location: 19q13.33.
Variant type: Duplication.
Coding change: c.397dup on transcript NM_002691.4 (MANE Select); coding-DNA position 397, one base duplicated (G; older notation c.397dupG).
Protein change: p.Glu133fs; shifts the reading frame from glutamic acid 133.
Molecular consequence: frameshift variant. On other transcripts: non-coding transcript variant (1).
Genome position (GRCh38, 1-based): chr19:50,401,858, G duplicated. VCF-style (leftmost placement, unchanged base first): chr19-50401857-T-TG. GRCh37 (hg19) VCF-style: chr19-50905114-T-TG.
Other names: c.397dup, p.Glu133fs (NM_001256849.1, NM_001308632.1); short protein forms E133fs.
Identifiers: ClinVar variation 2842682 (VCV002842682.3), dbSNP rs2038648288, ClinGen allele CA2340882450.
Genomic context (GRCh38, chr19:50,401,857, plus strand): 5'-TGGGGGGCCCCCACCATCCCGCGGCTCCGTGCCTGTGCTCCGCGCCTTCGGGGTCACCGA[T>TG]GAGGGGTTCTCTGTCTGCTGCCACATCCACGGCTTCGCTCCCTACTTCTACACCCCAGCG-3'

ClinVar aggregate classification (germline): Uncertain significance (1 of 4 stars; one submission).

Conditions:
POLD1-related polyposis and colorectal cancer syndrome (CRCS10). Also called: Colorectal cancer 10; COLORECTAL CANCER, SUSCEPTIBILITY TO, ON CHROMOSOME 19q; Colorectal cancer, susceptibility to, 10. Identifiers: Orphanet 220460, MedGen C2675481, MONDO:0012953, OMIM 612591.

Allele frequency attached by ClinVar (database versions not stated): TOPMed below 0.00001.

Submission:

Labcorp Genetics (formerly Invitae), Labcorp
Classification: Uncertain significance for POLD1-related polyposis and colorectal cancer syndrome. Last evaluated: 2023-03-15. Review status: criteria provided, single submitter. Criteria: Invitae Variant Classification Sherloc (09022015). Collection method: clinical testing. Allele origin: germline.
Comment: In summary, the available evidence is currently insufficient to determine the role of this variant in disease. Therefore, it has been classified as a Variant of Uncertain Significance. This variant has not been reported in the literature in individuals affected with POLD1-related conditions. This variant is not present in population databases (gnomAD no frequency). This sequence change creates a premature translational stop signal (p.Glu133Glyfs*31) in the POLD1 gene. Missense variants that disrupt the 3'-5' exonuclease (proof-reading) activity of the POLD1 protein are associated with PPAP (polymerase proofreading–associated polyposis) (PMID: 23263490, 23447401). However, loss-of-function variants that result in an absent or severely disrupted POLD1 protein, and missense variants outside the exonuclease domain, are unlikely to be associated with PPAP.

Literature cited by the submitters: PubMed 23263490; PubMed 23447401.